The following is an entry in ClinVar:

ClinVar aggregate classification (germline): Pathogenic (1 of 4 stars; one submission).

Submission:

Labcorp Genetics (formerly Invitae), Labcorp
Classification: Pathogenic. Last evaluated: 2025-10-18. Review status: criteria provided, single submitter. Criteria: Invitae Variant Classification Sherloc (09022015). Collection method: clinical testing. Allele origin: germline.
Comment: This sequence change creates a premature translational stop signal (p.Val192Glyfs*42) in the POGLUT1 gene. It is expected to result in an absent or disrupted protein product. Loss-of-function variants in POGLUT1 are known to be pathogenic (PMID: 24387993). This variant is not present in population databases (gnomAD no frequency). This variant has not been reported in the literature in individuals affected with POGLUT1-related conditions. For these reasons, this variant has been classified as Pathogenic.

Literature cited by the submitters: PubMed 24387993.

NM_152305.3(POGLUT1):c.574dup (p.Val192fs)

Gene: POGLUT1 (protein O-glucosyltransferase 1; plus strand). Cytogenetic location: 3q13.33.
Variant type: Duplication.
Coding change: c.574dup on transcript NM_152305.3 (MANE Select); coding-DNA position 574, one base duplicated (G; older notation c.574dupG).
Protein change: p.Val192fs; shifts the reading frame from valine 192.
Molecular consequence: frameshift variant. On other transcripts: non-coding transcript variant (1).
Genome position (GRCh38, 1-based): chr3:119,480,168, G duplicated; the last of 2 consecutive G bases (chr3:119,480,167-119,480,168); duplicating either gives the same sequence. VCF-style (leftmost placement, unchanged base first): chr3-119480166-T-TG. GRCh37 (hg19) VCF-style: chr3-119199013-T-TG.
Other names: short protein forms V192fs.
Identifiers: ClinVar variation 4729449 (VCV004729449.1).